The following is an entry in ClinVar:

ClinVar aggregate classification (germline): Pathogenic/Likely pathogenic. Review status: criteria provided, multiple submitters, no conflicts (2 of 4 stars). 7 submissions from 7 submitters: Pathogenic (5); Likely pathogenic (1). 1 of the submissions does not count toward it. Last evaluated 2026-04-15.

Conditions:
Ovarian neoplasm. Also called: Neoplasm of ovary; Ovarian tumor; Ovarian Neoplasms. Identifiers: MedGen C0919267, MeSH D010051, MONDO:0021068, HP:0100615.
Hereditary cancer-predisposing syndrome. Also called: Hereditary Cancer Syndrome; Neoplastic Syndromes, Hereditary; Hereditary neoplastic syndrome; Tumor predisposition. Identifiers: Orphanet 140162, MedGen C0027672, MeSH D009386, MONDO:0015356.
Hereditary breast ovarian cancer syndrome. Also called: Hereditary breast and ovarian cancer syndrome (HBOC); Breast and ovarian cancer; Hereditary breast and ovarian cancer syndrome; Hereditary breast and ovarian cancer; BRCA1- and BRCA2-Associated Hereditary Breast and Ovarian Cancer; Hereditary breast and/or ovarian cancer syndrome. Identifiers: Orphanet 145, MedGen C0677776, MeSH D061325, MONDO:0003582. Disease mechanism: loss of function.
Breast-ovarian cancer, familial, susceptibility to, 1 (BROVCA1). Also called: BRCA1 Hereditary Breast and Ovarian Cancer; OVARIAN CANCER, SUSCEPTIBILITY TO. Identifiers: Orphanet 145, MedGen C2676676, MONDO:0011450, OMIM 604370. Disease mechanism: loss of function.

Submissions (8):

Dasa
Classification: Likely pathogenic for Breast-ovarian cancer, familial, susceptibility to, 1. Last evaluated: 2026-04-15. Review status: criteria provided, single submitter. Criteria: DASA Assertion Criteria. Collection method: clinical testing. Allele origin: germline.
Comment: NM_007294.4(BRCA1):c.212G>C (p.Arg71Thr) is a missense variant that results in the substitution of arginine with threonine. Functional evidence supports an impact on the gene or gene product (PMID: 30209399). Also, this variant is rare in population databases. Computational evidence supports a deleterious effect. Based on the currently available evidence, this variant is classified as likely pathogenic.

Labcorp Genetics (formerly Invitae), Labcorp
Classification: Pathogenic for Hereditary breast ovarian cancer syndrome. Last evaluated: 2025-12-31. Review status: criteria provided, single submitter. Criteria: Invitae Variant Classification Sherloc (09022015). Collection method: clinical testing. Allele origin: germline.
Comment: This sequence change replaces arginine, which is basic and polar, with threonine, which is neutral and polar, at codon 71 of the BRCA1 protein (p.Arg71Thr). This variant also falls at the last nucleotide of exon 4, which is part of the consensus splice site for this exon. This variant is not present in population databases (gnomAD no frequency). This variant has not been reported in the literature in individuals affected with BRCA1-related conditions. ClinVar contains an entry for this variant (Variation ID: 267512). An algorithm developed to predict the effect of missense changes on protein structure and function (PolyPhen-2) suggests that this variant is likely to be disruptive. Experimental studies have shown that this missense change affects BRCA1 function (PMID: 30209399). Variants that disrupt the consensus splice site are a relatively common cause of aberrant splicing (PMID: 17576681, 9536098). Algorithms developed to predict the effect of sequence changes on RNA splicing suggest that this variant may disrupt the consensus splice site. This variant disrupts the p.Arg71 amino acid residue in BRCA1. Other variant(s) that disrupt this residue have been determined to be pathogenic (internal data). This suggests that this residue is clinically significant, and that variants that disrupt this residue are likely to be disease-causing. For these reasons, this variant has been classified as Pathogenic.

Ambry Genetics
Classification: Pathogenic for Hereditary cancer-predisposing syndrome. Last evaluated: 2025-11-17. Review status: criteria provided, single submitter. Criteria: Ambry Variant Classification Scheme 2023. Collection method: clinical testing. Allele origin: germline.
Comment: The c.212G>C pathogenic mutation (also known as p.R71T), located in coding exon 3 of the BRCA1 gene, results from a G to C substitution at nucleotide position 212. The arginine at codon 71 is replaced by threonine, an amino acid with similar properties. This change occurs in the last base pair of coding exon 3, which makes it likely to have some effect on normal mRNA splicing. This alteration was identified in an individual diagnosed with ovarian cancer (Harter P et al. PLoS ONE, 2017 Oct;12:e0186043) and in a large, worldwide study of BRCA1/2 mutation positive families (Rebbeck TR et al. Hum. Mutat., 2018 05;39:593-620). RNA studies have demonstrated that this alteration results in abnormal splicing in the set of samples tested (Ambry internal data). One functional study found that this nucleotide substitution is non-functional in a high throughput genome editing haploid cell survival assay (Findlay GM et al. Nature, 2018 10;562:217-222). Another alteration impacting the same donor site (p.R71G, c.211A>G) has been has been shown to have a similar impact on splicing (Ambry internal data; Sanz DJ et al. Clin. Cancer Res. 2010 Mar;16:1957-67; Houdayer C et al. Hum. Mutat. 2012 Aug;33:1228-38).This nucleotide position is highly conserved in available vertebrate species. In silico splice site analysis predicts that this alteration will weaken the native splice donor site. This variant is considered to be rare based on population cohorts in the Genome Aggregation Database (gnomAD). Based on the supporting evidence, this alteration is interpreted as a disease-causing mutation.

Color Diagnostics, LLC DBA Color Health
Classification: Pathogenic for Hereditary cancer-predisposing syndrome. Last evaluated: 2024-06-10. Review status: criteria provided, single submitter. Criteria: ACMG Guidelines, 2015. Collection method: clinical testing. Allele origin: germline.
Comment: This variant alters the conserved guanine at the last nucleotide position of exon 4 of the BRCA1 gene. This variant is also known as 331G>C in exon 5 according to the BIC nomenclature and exon naming system. This variant is predicted to disrupt the reference intron 4 splice donor site and also to activate an out-of-frame cryptic donor site (PMID: 35449021). Two other mutations c.212G>A and c.211A>G have been shown to cause out-of-frame splicing (PMID: 11385711, 20215541, 21863257, 22505045, 23451180) and also the in-frame skipping of exon 4 impacting the functionally important RING domain (PMID: 21863257). These aberrant spliced transcript are expected to produce an absent or nonfunctional protein product. Functional studies have reported findings consistent with this variant causing unstable mRNA thus impacting BRCA1 function (PMID: 30209399), whereas the variant protein change (p.Arg71Thr) on its own had no impact on BARD1 binding and E3 ligase assays (PMID: 25823446, 35659930). This variant has been reported in an individual affected with ovarian cancer (PMID: 29053726). Similar variants c.211A>G and c.212G>A have been reported in individuals and families affected with breast or ovarian cancer (PMID: 11385711, 11802209, 21863257, 23683081, 25480878, 26577449, 27081505, 28724667, 29435039, 29752822, 30078507) and c.211A>G also has been reported to segregate with disease with a likelihood ratio for pathogenicity of 383.2656 (PMID: 31131967). This variant has not been identified in the general population by the Genome Aggregation Database (gnomAD). Loss of BRCA1 function is a known mechanism of disease. Based on the available evidence, this variant is classified as Pathogenic.

Baylor Genetics
Classification: Pathogenic for Breast-ovarian cancer, familial, susceptibility to, 1. Last evaluated: 2023-05-31. Review status: criteria provided, single submitter. Criteria: ACMG Guidelines, 2015. Collection method: clinical testing. Allele origin: unknown.

Consortium of Investigators of Modifiers of BRCA1/2 (CIMBA), c/o University of Cambridge
Classification: Pathogenic for Breast-ovarian cancer, familial, susceptibility to, 1. Last evaluated: 2015-10-02. Review status: criteria provided, single submitter. Criteria: CIMBA Mutation Classification guidelines May 2016. Collection method: clinical testing. Allele origin: germline.

German Consortium for Hereditary Breast and Ovarian Cancer, University Hospital Cologne
Classification: Pathogenic for Ovarian neoplasm. Last evaluated: 2018-12-01. Review status: no assertion criteria provided. Collection method: research. Allele origin: germline. Affected: yes. Not counted in ClinVar's aggregate classification.

Brotman Baty Institute, University of Washington
No classification provided (evidence only). Condition: Breast-ovarian cancer, familial 1. Review status: no classification provided. Collection method: in vitro. Allele origin: not applicable. Functional consequence: functionally_abnormal. Not counted in ClinVar's aggregate classification.
ClinVar note: "not provided" was previously submitted as the classification for the variant. However, the classification appeared to be based only on an observation of functional data so it was converted to no classification on 2025-07-30.

Literature cited by the submitters: PubMed 30209399 (cited by 4 submitters); PubMed 17576681 (cited by Labcorp Genetics (formerly Invitae), Labcorp); PubMed 9536098 (cited by Labcorp Genetics (formerly Invitae), Labcorp); PubMed 29053726 (cited by Ambry Genetics and Color Diagnostics, LLC DBA Color Health); PubMed 29446198 (cited by Ambry Genetics); PubMed 11385711 (cited by Color Diagnostics, LLC DBA Color Health); PubMed 11802209 (cited by Color Diagnostics, LLC DBA Color Health); PubMed 20215541 (cited by Color Diagnostics, LLC DBA Color Health); PubMed 21863257 (cited by Color Diagnostics, LLC DBA Color Health); PubMed 22505045 (cited by Color Diagnostics, LLC DBA Color Health); PubMed 23451180 (cited by Color Diagnostics, LLC DBA Color Health); PubMed 23683081 (cited by Color Diagnostics, LLC DBA Color Health); PubMed 25480878 (cited by Color Diagnostics, LLC DBA Color Health); PubMed 25823446 (cited by Color Diagnostics, LLC DBA Color Health); PubMed 26577449 (cited by Color Diagnostics, LLC DBA Color Health); PubMed 27081505 (cited by Color Diagnostics, LLC DBA Color Health); PubMed 28724667 (cited by Color Diagnostics, LLC DBA Color Health); PubMed 29435039 (cited by Color Diagnostics, LLC DBA Color Health); PubMed 29752822 (cited by Color Diagnostics, LLC DBA Color Health); PubMed 30078507 (cited by Color Diagnostics, LLC DBA Color Health); PubMed 31131967 (cited by Color Diagnostics, LLC DBA Color Health); PubMed 35449021 (cited by Color Diagnostics, LLC DBA Color Health); PubMed 35659930 (cited by Color Diagnostics, LLC DBA Color Health).

NM_007294.4(BRCA1):c.212G>C (p.Arg71Thr)

Gene: BRCA1 (BRCA1 DNA repair associated; minus strand). Cytogenetic location: 17q21.31.
Variant type: single nucleotide variant.
Coding change: c.212G>C on transcript NM_007294.4 (MANE Select); coding-DNA position 212, G replaced by C.
Protein change: p.Arg71Thr; replaces arginine 71 with threonine.
Molecular consequence: missense variant.
Genome position (GRCh38, 1-based): chr17:43,106,456, C>G on the plus strand (G>C on the coding strand, the complement: BRCA1 is on the minus strand). VCF-style: chr17-43106456-C-G. GRCh37 (hg19) VCF-style: chr17-41258473-C-G.
Other names: c.212G>C, p.Arg71Thr (NM_001407581.1, NM_001407582.1, NM_001407583.1 and 168 more transcripts); c.71G>C, p.Arg24Thr (NM_001407692.1, NM_001407694.1, NM_001407695.1 and 99 more transcripts); short protein forms R71T, R24T.
Identifiers: ClinVar variation 267512 (VCV000267512.27), dbSNP rs80356913, ClinGen allele CA10601745.